The following is an entry in ClinVar:

ClinVar aggregate classification (germline): Conflicting classifications of pathogenicity. Review status: criteria provided, conflicting classifications (1 of 4 stars). 4 submissions from 4 submitters: Likely pathogenic (2); Uncertain significance (1). 1 of the submissions does not count toward it. Last evaluated 2024-11-01.

Conditions:
Autosomal dominant polycystic kidney disease. Identifiers: Orphanet 730, MedGen C0085413, MONDO:0004691.
PKD1-related disorder. Also called: PKD1-related condition.

Submissions (4):

GeneDx
Classification: Uncertain significance. Last evaluated: 2024-11-01. Review status: criteria provided, single submitter. Criteria: GeneDx Variant Classification Process June 2021. Collection method: clinical testing. Allele origin: germline. Affected: yes.
Comment: Not observed at significant frequency in large population cohorts (gnomAD); In silico analysis supports that this missense variant has a deleterious effect on protein structure/function; This variant is associated with the following publications: (PMID: 23985799, 30816285, 33437033)

Blueprint Genetics
Classification: Likely pathogenic for PKD1-related disorders. Last evaluated: 2023-08-27. Review status: criteria provided, single submitter. Criteria: ACMG Guidelines, 2015. Collection method: clinical testing. Allele origin: germline. Affected: yes. Observed: 2 variant alleles.

Molecular Genetics of Inherited Kidney Disorders Laboratory, Garvan Institute of Medical Research
Classification: Likely pathogenic for Autosomal dominant polycystic kidney disease. Last evaluated: 2019-01-01. Review status: criteria provided, single submitter. Criteria: ACMG Guidelines, 2015. Collection method: research. Allele origin: germline. Affected: yes.

PreventionGenetics, part of Exact Sciences
Classification: Uncertain significance for PKD1-related condition. Last evaluated: 2024-06-07. Review status: no assertion criteria provided. Collection method: clinical testing. Allele origin: germline. Not counted in ClinVar's aggregate classification.
Comment: The PKD1 c.6341A>G variant is predicted to result in the amino acid substitution p.Tyr2114Cys. This variant has been reported in individuals with polycystic kidney disease (Table 4, Chang et al. 2013. PubMed ID: 23985799; Table S2, Pandita et al. 2019. PubMed ID: 30816285; Mallawaarachchi et al. 2021. PubMed ID: 33437033). This variant has not been reported in a large population database, indicating this variant is rare. Although we suspect that this variant may be pathogenic, at this time, the clinical significance of this variant is uncertain due to the absence of conclusive functional and genetic evidence.

NM_001009944.3(PKD1):c.6341A>G (p.Tyr2114Cys)

Gene: PKD1 (polycystin 1, transient receptor potential channel interacting; minus strand). Cytogenetic location: 16p13.3.
Variant type: single nucleotide variant.
Coding change: c.6341A>G on transcript NM_001009944.3 (MANE Select); coding-DNA position 6341, A replaced by G.
Protein change: p.Tyr2114Cys; replaces tyrosine 2114 with cysteine.
Molecular consequence: missense variant.
Genome position (GRCh38, 1-based): chr16:2,108,826, T>C on the plus strand (A>G on the coding strand, the complement: PKD1 is on the minus strand). VCF-style: chr16-2108826-T-C. GRCh37 (hg19) VCF-style: chr16-2158827-T-C.
Other names: c.6341A>G, p.Tyr2114Cys (NM_000296.4); short protein forms Y2114C.
Identifiers: ClinVar variation 976813 (VCV000976813.5), dbSNP rs2092427197, ClinGen allele CA394373750.